The following is an entry in ClinVar:

NM_053025.4(MYLK):c.2816C>G (p.Ser939Cys)

Gene: MYLK (myosin light chain kinase; minus strand). Cytogenetic location: 3q21.1.
Variant type: single nucleotide variant.
Coding change: c.2816C>G on transcript NM_053025.4 (MANE Select); coding-DNA position 2816, C replaced by G.
Protein change: p.Ser939Cys; replaces serine 939 with cysteine.
Molecular consequence: missense variant.
Genome position (GRCh38, 1-based): chr3:123,700,652, G>C on the plus strand (C>G on the coding strand, the complement: MYLK is on the minus strand). VCF-style: chr3-123700652-G-C. GRCh37 (hg19) VCF-style: chr3-123419499-G-C.
Other names: c.2288C>G, p.Ser763Cys (NM_001321309.2); c.2609C>G, p.Ser870Cys (NM_053026.4, NM_053028.4); c.2816C>G, p.Ser939Cys (NM_053027.4); short protein forms S763C, S939C, S870C.
Identifiers: ClinVar variation 3401094 (VCV003401094.1).

ClinVar aggregate classification (germline): Uncertain significance (1 of 4 stars; one submission).

Conditions:
Familial thoracic aortic aneurysm and aortic dissection (TAAD). Also called: Thoracic aortic aneurysms and dissections. Identifiers: Orphanet 91387, MedGen C4707243, MONDO:0019625.

Submission:

Ambry Genetics
Classification: Uncertain significance for Familial thoracic aortic aneurysm and aortic dissection. Last evaluated: 2024-08-11. Review status: criteria provided, single submitter. Criteria: Ambry Variant Classification Scheme 2023. Collection method: clinical testing. Allele origin: germline.
Comment: The p.S939C variant (also known as c.2816C>G), located in coding exon 15 of the MYLK gene, results from a C to G substitution at nucleotide position 2816. The serine at codon 939 is replaced by cysteine, an amino acid with dissimilar properties. This amino acid position is conserved. In addition, this alteration is predicted to be tolerated by in silico analysis. Based on the available evidence, the clinical significance of this variant remains unclear.